The following is an entry in ClinVar:

NM_021133.4(RNASEL):c.289A>C (p.Ile97Leu)

Gene: RNASEL (ribonuclease L; minus strand). Cytogenetic location: 1q25.3.
Variant type: single nucleotide variant.
Coding change: c.289A>C on transcript NM_021133.4 (MANE Select); coding-DNA position 289, A replaced by C.
Protein change: p.Ile97Leu; replaces isoleucine 97 with leucine.
Molecular consequence: missense variant.
Genome position (GRCh38, 1-based): chr1:182,586,518, T>G on the plus strand (A>C on the coding strand, the complement: RNASEL is on the minus strand). VCF-style: chr1-182586518-T-G. GRCh37 (hg19) VCF-style: chr1-182555653-T-G.
Other names: short protein forms I97L.
Identifiers: ClinVar variation 806296 (VCV000806296.36), dbSNP rs56250729, ClinGen allele CA1278317.

ClinVar aggregate classification (germline): Benign/Likely benign. Review status: criteria provided, multiple submitters, no conflicts (2 of 4 stars). 2 submissions from 2 submitters: Benign (1); Likely benign (1). Last evaluated 2025-04-01.

Allele frequency attached by ClinVar (database versions not stated): 1000 Genomes Project 30x 0.00281; 1000 Genomes Project 0.00300; TOPMed 0.00566; ESP Exome Variant Server 0.00669.
gnomAD v4.1: 14,582 of 1,610,920 alleles (0.91%); highest among the groups gnomAD compares: Non-Finnish European, 1.1%; 92 homozygotes.

Submissions (2):

CeGaT Center for Human Genetics Tuebingen
Classification: Benign. Last evaluated: 2025-04-01. Review status: criteria provided, single submitter. Criteria: CeGaT Center For Human Genetics Tuebingen Variant Classification Criteria Version 2. Collection method: clinical testing. Allele origin: germline. Affected: yes. Observed: 2 variant alleles.
Comment: RNASEL: BS1, BS2

Breakthrough Genomics
Classification: Likely benign. Review status: criteria provided, single submitter. Criteria: ACMG Guidelines, 2015. Collection method: not provided. Allele origin: germline. Inheritance: Autosomal dominant inheritance. Affected: yes.